The following is an entry in ClinVar:

NM_002485.5(NBN):c.320+5G>T

Gene: NBN (nibrin; minus strand). Cytogenetic location: 8q21.3.
Variant type: single nucleotide variant.
Coding change: c.320+5G>T on transcript NM_002485.5 (MANE Select); 5 bases into the intron after coding-DNA position 320, G replaced by T.
Molecular consequence: intron variant.
Genome position (GRCh38, 1-based): chr8:89,981,370, C>A on the plus strand (G>T on the coding strand, the complement: NBN is on the minus strand). VCF-style: chr8-89981370-C-A. GRCh37 (hg19) VCF-style: chr8-90993598-C-A.
Other names: c.74+5G>T (NM_001024688.3).
Identifiers: ClinVar variation 628420 (VCV000628420.10), dbSNP rs1563580422, ClinGen allele CA913187623.

ClinVar aggregate classification (germline): Uncertain significance. Review status: criteria provided, multiple submitters, no conflicts (2 of 4 stars). 2 submissions from 2 submitters: Uncertain significance (2). Last evaluated 2024-03-04.

Conditions:
Hereditary cancer-predisposing syndrome. Also called: Tumor predisposition; Neoplastic Syndromes, Hereditary; Hereditary Cancer Syndrome; Hereditary neoplastic syndrome. Identifiers: Orphanet 140162, MedGen C0027672, MeSH D009386, MONDO:0015356.
Microcephaly, normal intelligence and immunodeficiency (NBS). Also called: BERLIN BREAKAGE SYNDROME; Ataxia telangiectasia variant V1; IMMUNODEFICIENCY, MICROCEPHALY, AND CHROMOSOMAL INSTABILITY; SEEMANOVA SYNDROME II; Immunodeficiency, microcephaly with normal intelligence; Nijmegen breakage syndrome. Identifiers: Orphanet 647, MedGen C0398791, MONDO:0009623, OMIM 251260.

Allele frequency attached by ClinVar (database versions not stated): gnomAD exomes below 0.00001.
gnomAD v4.1: 2 of 1,613,536 alleles (0.00012%); highest among the groups gnomAD compares: Non-Finnish European, 0.00017%; no homozygotes.

Submissions (2):

Ambry Genetics
Classification: Uncertain significance for Hereditary cancer-predisposing syndrome. Last evaluated: 2024-03-04. Review status: criteria provided, single submitter. Criteria: Ambry Variant Classification Scheme 2023. Collection method: clinical testing. Allele origin: germline.
Comment: The c.320+5G>T intronic variant results from a G to T substitution 5 nucleotides after coding exon 3 in the NBN gene. This nucleotide position is highly conserved in available vertebrate species. In silico splice site analysis for this alteration is inconclusive and direct evidence is insufficient at this time (Ambry internal data). Based on the available evidence, the clinical significance of this alteration remains unclear.

Labcorp Genetics (formerly Invitae), Labcorp
Classification: Uncertain significance for Microcephaly, normal intelligence and immunodeficiency. Last evaluated: 2022-03-14. Review status: criteria provided, single submitter. Criteria: Invitae Variant Classification Sherloc (09022015). Collection method: clinical testing. Allele origin: germline.
Comment: Variants that disrupt the consensus splice site are a relatively common cause of aberrant splicing (PMID: 17576681, 9536098). Algorithms developed to predict the effect of sequence changes on RNA splicing suggest that this variant is not likely to affect RNA splicing. In summary, the available evidence is currently insufficient to determine the role of this variant in disease. Therefore, it has been classified as a Variant of Uncertain Significance. ClinVar contains an entry for this variant (Variation ID: 628420). This variant has not been reported in the literature in individuals affected with NBN-related conditions. This variant is not present in population databases (gnomAD no frequency). This sequence change falls in intron 3 of the NBN gene. It does not directly change the encoded amino acid sequence of the NBN protein. It affects a nucleotide within the consensus splice site.

Literature cited by the submitters: PubMed 17576681 (cited by Labcorp Genetics (formerly Invitae), Labcorp); PubMed 9536098 (cited by Labcorp Genetics (formerly Invitae), Labcorp).